The following is an entry in ClinVar:

ClinVar aggregate classification (germline): Uncertain significance. Review status: criteria provided, multiple submitters, no conflicts (2 of 4 stars). 2 submissions from 2 submitters: Uncertain significance (2). Last evaluated 2025-05-25.

Conditions:
Hereditary cancer-predisposing syndrome. Also called: Neoplastic Syndromes, Hereditary; Tumor predisposition; Hereditary Cancer Syndrome; Hereditary neoplastic syndrome. Identifiers: Orphanet 140162, MedGen C0027672, MeSH D009386, MONDO:0015356.

Allele frequency attached by ClinVar (database versions not stated): gnomAD exomes below 0.00001.

Submissions (2):

Ambry Genetics
Classification: Uncertain significance for Hereditary cancer-predisposing syndrome. Last evaluated: 2025-05-25. Review status: criteria provided, single submitter. Criteria: Ambry Variant Classification Scheme 2023. Collection method: clinical testing. Allele origin: germline.
Comment: The p.I249M variant (also known as c.747C>G), located in coding exon 2 of the HOXB13 gene, results from a C to G substitution at nucleotide position 747. The isoleucine at codon 249 is replaced by methionine, an amino acid with highly similar properties. This amino acid position is conserved. In addition, this alteration is predicted to be deleterious by in silico analysis. Since supporting evidence is limited at this time, the clinical significance of this alteration remains unclear.

Labcorp Genetics (formerly Invitae), Labcorp
Classification: Uncertain significance. Last evaluated: 2022-04-29. Review status: criteria provided, single submitter. Criteria: Invitae Variant Classification Sherloc (09022015). Collection method: clinical testing. Allele origin: germline.
Comment: This variant has not been reported in the literature in individuals affected with HOXB13-related conditions. This variant is not present in population databases (gnomAD no frequency). This sequence change replaces isoleucine, which is neutral and non-polar, with methionine, which is neutral and non-polar, at codon 249 of the HOXB13 protein (p.Ile249Met). In summary, the available evidence is currently insufficient to determine the role of this variant in disease. Therefore, it has been classified as a Variant of Uncertain Significance. Algorithms developed to predict the effect of missense changes on protein structure and function are either unavailable or do not agree on the potential impact of this missense change (SIFT: "Deleterious"; PolyPhen-2: "Probably Damaging"; Align-GVGD: "Class C0").

NM_006361.6(HOXB13):c.747C>G (p.Ile249Met)

Gene: HOXB13 (homeobox B13; minus strand). Cytogenetic location: 17q21.32.
Variant type: single nucleotide variant.
Coding change: c.747C>G on transcript NM_006361.6 (MANE Select); coding-DNA position 747, C replaced by G.
Protein change: p.Ile249Met; replaces isoleucine 249 with methionine.
Molecular consequence: missense variant.
Genome position (GRCh38, 1-based): chr17:48,726,898, G>C on the plus strand (C>G on the coding strand, the complement: HOXB13 is on the minus strand). VCF-style: chr17-48726898-G-C. GRCh37 (hg19) VCF-style: chr17-46804260-G-C.
Other names: short protein forms I249M.
Identifiers: ClinVar variation 1759094 (VCV001759094.8), dbSNP rs761824576, ClinGen allele CA400106083.